The following is an entry in ClinVar:

NM_020738.4(KIDINS220):c.2370+5G>A

Gene: KIDINS220 (kinase D interacting substrate 220; minus strand). Cytogenetic location: 2p25.1.
Variant type: single nucleotide variant.
Coding change: c.2370+5G>A on transcript NM_020738.4 (MANE Select); 5 bases into the intron after coding-DNA position 2370, G replaced by A.
Molecular consequence: intron variant.
Genome position (GRCh38, 1-based): chr2:8,779,669, C>T on the plus strand (G>A on the coding strand, the complement: KIDINS220 is on the minus strand). VCF-style: chr2-8779669-C-T. GRCh37 (hg19) VCF-style: chr2-8919799-C-T.
Other names: c.2370+5G>A (NM_001348741.2, NM_001348738.2, NM_001348742.2 and 3 more transcripts); c.2373+5G>A (NM_001348739.2, NM_001348740.2, NM_001348734.2 and 3 more transcripts); c.2244+5G>A (NM_001348736.2).
Identifiers: ClinVar variation 3376141 (VCV003376141.3).
Genomic context (GRCh38, chr2:8,779,669, plus strand): 5'-AAGTCAAACATTCTCTCAAGTGCCACAACATAACAATGGTGGCTTTTGAGGTGGCGCAAA[C>T]GTACAGTGTCCAGCATCTGAAGGACTTTGTCCTGCTCACAGGCATCTAATCCATCGATGA-3'

ClinVar aggregate classification (germline): Uncertain significance (1 of 4 stars; one submission).

Conditions:
Spastic paraplegia, intellectual disability, nystagmus, and obesity. Also called: Spastic paraplegia, intellectual disability, nystagmus, and obesity;. Identifiers: Orphanet 521390, MedGen C4284592, MONDO:0015007, OMIM 617296.

Submission:

Institute of Human Genetics, University of Leipzig Medical Center
Classification: Uncertain significance for Spastic paraplegia, intellectual disability, nystagmus, and obesity. Last evaluated: 2023-09-01. Review status: criteria provided, single submitter. Criteria: ACMG Guidelines, 2015. Collection method: clinical testing. Allele origin: paternal. Inheritance: Autosomal dominant inheritance. Affected: yes.
Comment: Criteria applied: PM2_SUP,PP3